The following is an entry in ClinVar:

NM_194279.4(ISCA2):c.412C>T (p.Pro138Ser)

Gene: ISCA2 (iron-sulfur cluster assembly 2; plus strand). Cytogenetic location: 14q24.3.
Variant type: single nucleotide variant.
Coding change: c.412C>T on transcript NM_194279.4 (MANE Select); coding-DNA position 412, C replaced by T.
Protein change: p.Pro138Ser; replaces proline 138 with serine.
Molecular consequence: missense variant. On other transcripts: 3 prime UTR variant (1).
Genome position (GRCh38, 1-based): chr14:74,494,947, C>T. VCF-style: chr14-74494947-C-T. GRCh37 (hg19) VCF-style: chr14-74961650-C-T.
Other names: c.*113C>T (NM_001272007.2); short protein forms P138S.
Identifiers: ClinVar variation 2009797 (VCV002009797.4), dbSNP rs2506120883, ClinGen allele CA390380412.

ClinVar aggregate classification (germline): Uncertain significance (1 of 4 stars; one submission).

Submission:

Labcorp Genetics (formerly Invitae), Labcorp
Classification: Uncertain significance. Last evaluated: 2022-07-03. Review status: criteria provided, single submitter. Criteria: Invitae Variant Classification Sherloc (09022015). Collection method: clinical testing. Allele origin: germline.
Comment: In summary, the available evidence is currently insufficient to determine the role of this variant in disease. Therefore, it has been classified as a Variant of Uncertain Significance. Algorithms developed to predict the effect of missense changes on protein structure and function are either unavailable or do not agree on the potential impact of this missense change (SIFT: "Tolerated"; PolyPhen-2: "Probably Damaging"; Align-GVGD: "Class C0"). This variant has not been reported in the literature in individuals affected with ISCA2-related conditions. This variant is not present in population databases (gnomAD no frequency). This sequence change replaces proline, which is neutral and non-polar, with serine, which is neutral and polar, at codon 138 of the ISCA2 protein (p.Pro138Ser).